The following is an entry in ClinVar:

NM_000642.3(AGL):c.3980G>A (p.Trp1327Ter)

Gene: AGL (amylo-alpha-1,6-glucosidase and 4-alpha-glucanotransferase; plus strand). Cytogenetic location: 1p21.2.
Variant type: single nucleotide variant.
Coding change: c.3980G>A on transcript NM_000642.3 (MANE Select); coding-DNA position 3980, G replaced by A.
Protein change: p.Trp1327Ter; replaces tryptophan 1327 with a stop codon.
Molecular consequence: nonsense.
Genome position (GRCh38, 1-based): chr1:99,913,557, G>A. VCF-style: chr1-99913557-G-A. GRCh37 (hg19) VCF-style: chr1-100379113-G-A.
Other names: p.Trp1327*; c.3980G>A, p.Trp1327Ter (NM_000028.3, NM_000643.3, NM_000644.3 and 1 more transcripts); c.3932G>A, p.Trp1311Ter (NM_000646.3); c.3959G>A, p.Trp1320Ter (NM_001425326.1); c.3779G>A, p.Trp1260Ter (NM_001425327.1); c.3776G>A, p.Trp1259Ter (NM_001425328.1); c.3641G>A, p.Trp1214Ter (NM_001425329.1); c.3602G>A, p.Trp1201Ter (NM_001425332.1); short protein forms W1327*, W1311*, W1201*, W1214*, W1259*, W1260*, W1320*.
Identifiers: ClinVar variation 1108 (VCV000001108.53), dbSNP rs267606640, ClinGen allele CA114769.

ClinVar aggregate classification (germline): Pathogenic. Review status: criteria provided, multiple submitters, no conflicts (2 of 4 stars). 17 submissions from 17 submitters: Pathogenic (14). 3 of the submissions do not count toward it. Last evaluated 2025-12-21.

Conditions:
Acute rhabdomyolysis. Identifiers: MedGen C3807306, HP:0008942.
AGL-related disorder. Also called: AGL-related condition.
Autosomal recessive AGL-related disorders.
Glycogen storage disease IIIa (GSD IIIa). Also called: Glycogen Storage Disease Type IIIa (GSD IIIa). Identifiers: MedGen C1968739.
Glycogen storage disease type III (GSD3). Also called: FORBES DISEASE; Cori disease. Identifiers: Orphanet 366, MedGen C0017922, MONDO:0009291, OMIM 232400.

Allele frequency attached by ClinVar (database versions not stated): ExAC 0.00002; gnomAD 0.00006; gnomAD exomes 0.00006 and 0.00010; TOPMed 0.00007.
gnomAD v4.1: 156 of 1,613,708 alleles (0.0097%); highest among the groups gnomAD compares: Non-Finnish European, 0.012%; no homozygotes.

Submissions (17):

Labcorp Genetics (formerly Invitae), Labcorp
Classification: Pathogenic for Glycogen storage disease type III. Last evaluated: 2025-12-21. Review status: criteria provided, single submitter. Criteria: Invitae Variant Classification Sherloc (09022015). Collection method: clinical testing. Allele origin: germline.
Comment: This sequence change creates a premature translational stop signal (p.Trp1327*) in the AGL gene. It is expected to result in an absent or disrupted protein product. Loss-of-function variants in AGL are known to be pathogenic (PMID: 19299494). This variant is present in population databases (rs267606640, gnomAD 0.01%). This premature translational stop signal has been observed in individuals with glycogen storage disease (PMID: 12442284, 16189622, 18924225, 19834502, 20490926, 22089644). ClinVar contains an entry for this variant (Variation ID: 1108). For these reasons, this variant has been classified as Pathogenic.

NHS Central & South Genomic Laboratory Hub
Classification: Pathogenic for Acute Rhabdomyolysis. Last evaluated: 2025-10-21. Review status: criteria provided, single submitter. Criteria: ACMG Guidelines, 2015. Collection method: clinical testing. Allele origin: germline. Affected: yes.

Natera, Inc.
Classification: Pathogenic for Glycogen storage disease type III. Last evaluated: 2025-05-19. Review status: criteria provided, single submitter. Criteria: Natera Variant Classification Schema (03/2026). Collection method: clinical testing. Allele origin: germline.
Comment: The c.3980G>A variant in AGL is a nonsense variant predicted to introduce a stop codon at amino acid 1327. This variant is expected to result in nonsense mediated decay, truncation, or a dysfunctional protein product. This variant is rare in the general population with a frequency below the threshold expected for the associated phenotype(s). This variant has been observed in one or more individuals affected with the associated recessive disease, as either homozygous or compound heterozygous with a second variant (PMID: 34820282). Given the available evidence, this variant is classified as Pathogenic.

Variantyx, Inc.
Classification: Pathogenic for Autosomal recessive AGL-related disorders. Last evaluated: 2025-05-09. Review status: criteria provided, single submitter. Criteria: Variantyx Assertion Criteria 2022. Collection method: clinical testing. Allele origin: germline. Inheritance: Autosomal recessive inheritance. Affected: no.
Comment: This is a nonsense variant in the AGL gene (OMIM: 610860). Pathogenic variants in this gene have been associated with autosomal recessive AGL-related disorders. The alteration introduces a premature termination codon in exon 30 out of 34 and is expected to result in loss of function, which is a known disease mechanism for AGL in this disorder (PMID: 19299494) (PVS1). It has a 0.0120% maximum allele frequency in non-founder control populations (PM2). Based on the current evidence, this variant is classified as pathogenic for autosomal recessive AGL-related disorders.

Blueprint Genetics
Classification: Pathogenic for AGL-related disorders. Last evaluated: 2024-10-10. Review status: criteria provided, single submitter. Criteria: ACMG Guidelines, 2015. Collection method: clinical testing. Allele origin: germline. Affected: yes. Observed: 5 variant alleles.

3billion
Classification: Pathogenic for Glycogen storage disease type III. Last evaluated: 2024-08-21. Review status: criteria provided, single submitter. Criteria: ACMG Guidelines, 2015. Collection method: clinical testing. Allele origin: germline. Affected: yes.
Comment: The variant is observed at an extremely low frequency in the gnomAD v4.0.0 dataset (total allele frequency: 0.010%). Predicted Consequence/Location: Stop-gained (nonsense): predicted to result in a loss or disruption of normal protein function through nonsense-mediated decay (NMD) or protein truncation. Multiple pathogenic variants are reported downstream of the variant. Damaging effect on gene or gene product predicted by in silico programs is uncertain [3Cnet: 1.00 (damaging >=0.6, benign <0.15)]. The variant has been reported at least twice as pathogenic with clinical assertions and evidence for the classification (ClinVar ID: VCV000001108 /PMID: 12442284). Therefore, this variant is classified as Pathogenic according to the recommendation of ACMG/AMP guideline.

Baylor Genetics
Classification: Pathogenic for Glycogen storage disease type III. Last evaluated: 2024-02-12. Review status: criteria provided, single submitter. Criteria: ACMG Guidelines, 2015. Collection method: clinical testing. Allele origin: unknown.

CeGaT Center for Human Genetics Tuebingen
Classification: Pathogenic. Last evaluated: 2024-01-01. Review status: criteria provided, single submitter. Criteria: CeGaT Center For Human Genetics Tuebingen Variant Classification Criteria Version 2. Collection method: clinical testing. Allele origin: germline. Affected: yes. Observed: 1 variant allele.
Comment: AGL: PVS1, PM3:Strong, PM2

Mayo Clinic Laboratories, Mayo Clinic
Classification: Pathogenic. Last evaluated: 2023-01-12. Review status: criteria provided, single submitter. Criteria: ACMG Guidelines, 2015. Collection method: clinical testing. Allele origin: germline. Observed: 1 variant allele.
Comment: PP4, PM2, PM3, PS4_moderate, PVS1

Revvity Omics, Revvity
Classification: Pathogenic for Glycogen storage disease type III. Last evaluated: 2022-12-20. Review status: criteria provided, single submitter. Criteria: ACMG Guidelines, 2015. Collection method: clinical testing. Allele origin: germline.

GeneDx
Classification: Pathogenic. Last evaluated: 2021-11-02. Review status: criteria provided, single submitter. Criteria: GeneDx Variant Classification Process June 2021. Collection method: clinical testing. Allele origin: germline. Affected: yes.
Comment: Nonsense variant predicted to result in protein truncation or nonsense mediated decay in a gene for which loss-of-function is a known mechanism of disease; Not observed at significant frequency in large population cohorts (gnomAD); This variant is associated with the following publications: (PMID: 26704523, 12442284, 18924225, 23207808, 17047887, 19834502, 29374762, 22089644, 20490926, 25525159, 31661040, 31319225, 32714838, 33726816, 33782433, 31589614)

Genome-Nilou Lab
Classification: Pathogenic for Glycogen storage disease type III. Last evaluated: 2021-07-15. Review status: criteria provided, single submitter. Criteria: ACMG Guidelines, 2015. Collection method: clinical testing. Allele origin: germline. Affected: no.

Women's Health and Genetics/Laboratory Corporation of America, LabCorp
Classification: Pathogenic for Glycogen storage disease type III. Last evaluated: 2018-12-10. Review status: criteria provided, single submitter. Criteria: LabCorp Variant Classification Summary - May 2015. Collection method: clinical testing. Allele origin: germline.
Comment: Variant summary: AGL c.3980G>A (p.Trp1327X) results in a premature termination codon, predicted to cause a truncation of the encoded protein or absence of the protein due to nonsense mediated decay, which are commonly known mechanisms for disease. Truncations downstream of this position have been classified as pathogenic by our laboratory (eg. c.4221delA, p.Lys1407fsX8 and c.4529dupA, p.Tyr1510X). The variant allele was found at a frequency of 5.8e-05 in 276740 control chromosomes (gnomAD). c.3980G>A has been reported in the literature in multiple homozygous individuals affected with Glycogen Storage Disease Type III and indicated to be a Tunisian founder mutation (Cherif_2012). These data indicate that the variant is very likely to be associated with disease. To our knowledge, no experimental evidence demonstrating an impact on protein function has been reported. Four ClinVar submissions from clinical diagnostic laboratories (evaluation after 2014) cites the variant as likely pathogenic/pathogenic. Based on the evidence outlined above, the variant was classified as pathogenic.

Eurofins Ntd Llc (ga)
Classification: Pathogenic. Last evaluated: 2016-04-15. Review status: criteria provided, single submitter. Criteria: EGL Classification Definitions 2015. Collection method: clinical testing. Allele origin: germline. Observed: 1 variant allele, 1 heterozygote.

Division of Human Genetics, Children's Hospital of Philadelphia
Classification: Likely pathogenic for Glycogen storage disease type III. Last evaluated: 2016-09-05. Review status: no assertion criteria provided. Collection method: research. Allele origin: paternal. Study: CSER-PediSeq. Not counted in ClinVar's aggregate classification.

Counsyl
Classification: Pathogenic for Glycogen storage disease type III. Last evaluated: 2014-01-02. Review status: no assertion criteria provided. Collection method: clinical testing. Allele origin: unknown. Not counted in ClinVar's aggregate classification.

OMIM
Classification: Pathogenic for GLYCOGEN STORAGE DISEASE, TYPE IIIa. Last evaluated: 2009-11-01. Review status: no assertion criteria provided. Collection method: literature only. Allele origin: germline. Not counted in ClinVar's aggregate classification.

Literature cited by the submitters: PubMed 19299494 (cited by Labcorp Genetics (formerly Invitae), Labcorp and Variantyx, Inc.); PubMed 12442284 (cited by 4 submitters); PubMed 16189622 (cited by 3 submitters); PubMed 18924225 (cited by 3 submitters); PubMed 19834502 (cited by 5 submitters); PubMed 20490926 (cited by 3 submitters); PubMed 22089644 (cited by Labcorp Genetics (formerly Invitae), Labcorp and Mayo Clinic Laboratories, Mayo Clinic); PubMed 34820282 (cited by Natera, Inc. and Variantyx, Inc.); PubMed 26704523 (cited by Variantyx, Inc.); PubMed 32714838 (cited by Variantyx, Inc. and Mayo Clinic Laboratories, Mayo Clinic); PubMed 33782433 (cited by Variantyx, Inc.); PubMed 29374762 (cited by Variantyx, Inc.); PubMed 23207808 (cited by 4 submitters).